The following is an entry in ClinVar:

ClinVar aggregate classification (germline): Conflicting classifications of pathogenicity. Review status: criteria provided, conflicting classifications (1 of 4 stars). 3 submissions from 3 submitters: Uncertain significance (2); Likely benign (1). Last evaluated 2026-08-01.

Conditions:
Developmental and epileptic encephalopathy, 54. Also called: HNRNPU-Related Neurodevelopmental Disorder; Epileptic encephalopathy, early infantile, 54. Identifiers: MedGen C4479319, MONDO:0033363, OMIM 617391.

Allele frequency attached by ClinVar (database versions not stated): gnomAD exomes 0.00001 and below 0.00001; ExAC 0.00002; ESP Exome Variant Server 0.00008; TOPMed below 0.00001.

Submissions (3):

CeGaT Center for Human Genetics Tuebingen
Classification: Uncertain significance. Last evaluated: 2026-08-01. Review status: criteria provided, single submitter. Criteria: CeGaT Center For Human Genetics Tuebingen Variant Classification Criteria Version 2. Collection method: clinical testing. Allele origin: germline. Affected: yes. Observed: 1 variant allele.

Women's Health and Genetics/Laboratory Corporation of America, LabCorp
Classification: Uncertain significance. Last evaluated: 2024-08-27. Review status: criteria provided, single submitter. Criteria: LabCorp Variant Classification Summary - May 2015. Collection method: clinical testing. Allele origin: germline.
Comment: Variant summary: HNRNPU c.317T>C (p.Leu106Pro) results in a non-conservative amino acid change in the encoded protein sequence. Three of five in-silico tools predict a benign effect of the variant on protein function. The variant allele was found at a frequency of 8.1e-06 in 246688 control chromosomes. The available data on variant occurrences in the general population are insufficient to allow any conclusion about variant significance. To our knowledge, no occurrence of c.317T>C in individuals affected with Developmental And Epileptic Encephalopathy, 54 and no experimental evidence demonstrating its impact on protein function have been reported. ClinVar contains an entry for this variant (Variation ID: 1008951). Based on the evidence outlined above, the variant was classified as uncertain significance.

Labcorp Genetics (formerly Invitae), Labcorp
Classification: Likely benign for Developmental and epileptic encephalopathy, 54. Last evaluated: 2024-07-08. Review status: criteria provided, single submitter. Criteria: Invitae Variant Classification Sherloc (09022015). Collection method: clinical testing. Allele origin: germline.

NM_031844.3(HNRNPU):c.317T>C (p.Leu106Pro)

Gene: HNRNPU (heterogeneous nuclear ribonucleoprotein U; minus strand). Cytogenetic location: 1q44.
Variant type: single nucleotide variant.
Coding change: c.317T>C on transcript NM_031844.3 (MANE Select); coding-DNA position 317, T replaced by C.
Protein change: p.Leu106Pro; replaces leucine 106 with proline.
Molecular consequence: missense variant.
Genome position (GRCh38, 1-based): chr1:244,863,991, A>G on the plus strand (T>C on the coding strand, the complement: HNRNPU is on the minus strand). VCF-style: chr1-244863991-A-G. GRCh37 (hg19) VCF-style: chr1-245027293-A-G.
Other names: c.317T>C, p.Leu106Pro (NM_004501.3); short protein forms L106P.
Identifiers: ClinVar variation 1008951 (VCV001008951.11), dbSNP rs369111527, ClinGen allele CA1486822.